The following is an entry in ClinVar:

NM_000455.5(STK11):c.1078A>T (p.Ile360Phe)

Genes: STK11 (serine/threonine kinase 11; plus strand), LOC130062899 (ATAC-STARR-seq lymphoblastoid active region 13597; plus strand). Cytogenetic location: 19p13.3.
Variant type: single nucleotide variant.
Coding change: c.1078A>T on transcript NM_000455.5 (MANE Select); coding-DNA position 1078, A replaced by T.
Protein change: p.Ile360Phe; replaces isoleucine 360 with phenylalanine.
Molecular consequence: missense variant.
Genome position (GRCh38, 1-based): chr19:1,223,142, A>T. VCF-style: chr19-1223142-A-T. GRCh37 (hg19) VCF-style: chr19-1223141-A-T.
Other names: c.1078A>T, p.Ile360Phe (NM_001407255.1); short protein forms I360F.
Identifiers: ClinVar variation 1785413 (VCV001785413.3), dbSNP rs1555739334, ClinGen allele CA402951901.

ClinVar aggregate classification (germline): Uncertain significance. Review status: criteria provided, multiple submitters, no conflicts (2 of 4 stars). 2 submissions from 2 submitters: Uncertain significance (2). Last evaluated 2023-06-23.

Conditions:
Hereditary cancer-predisposing syndrome. Also called: Neoplastic Syndromes, Hereditary; Tumor predisposition; Hereditary Cancer Syndrome; Hereditary neoplastic syndrome. Identifiers: Orphanet 140162, MedGen C0027672, MeSH D009386, MONDO:0015356.
Melanoma, cutaneous malignant, susceptibility to, 1 (CMM1). Also called: B-K MOLE SYNDROME; MELANOMA, MALIGNANT; FAMILIAL ATYPICAL MOLE-MALIGNANT MELANOMA SYNDROME; DYSPLASTIC NEVUS SYNDROME, HEREDITARY. Identifiers: Orphanet 618, MedGen C1835047, MONDO:0007963, OMIM 155600.

Submissions (2):

Baylor Genetics
Classification: Uncertain significance for Melanoma, cutaneous malignant, susceptibility to, 1. Last evaluated: 2023-06-23. Review status: criteria provided, single submitter. Criteria: ACMG Guidelines, 2015. Collection method: clinical testing. Allele origin: unknown.

Ambry Genetics
Classification: Uncertain significance for Hereditary cancer-predisposing syndrome. Last evaluated: 2022-01-30. Review status: criteria provided, single submitter. Criteria: Ambry Variant Classification Scheme 2023. Collection method: clinical testing. Allele origin: germline.
Comment: The p.I360F variant (also known as c.1078A>T), located in coding exon 8 of the STK11 gene, results from an A to T substitution at nucleotide position 1078. The isoleucine at codon 360 is replaced by phenylalanine, an amino acid with highly similar properties. This amino acid position is conserved. In addition, this alteration is predicted to be tolerated by in silico analysis. Since supporting evidence is limited at this time, the clinical significance of this alteration remains unclear.